The following is an entry in ClinVar:

NM_012154.5(AGO2):c.432C>T (p.His144=)

Gene: AGO2 (argonaute RISC catalytic component 2; minus strand). Cytogenetic location: 8q24.3.
Variant type: single nucleotide variant.
Coding change: c.432C>T on transcript NM_012154.5 (MANE Select); coding-DNA position 432, C replaced by T.
Protein change: p.His144=; no amino-acid change (histidine 144 retained).
Molecular consequence: synonymous variant.
Genome position (GRCh38, 1-based): chr8:140,562,539, G>A on the plus strand (C>T on the coding strand, the complement: AGO2 is on the minus strand). VCF-style: chr8-140562539-G-A. GRCh37 (hg19) VCF-style: chr8-141572638-G-A.
Other names: c.432C>T, p.His144= (NM_001164623.3).
Identifiers: ClinVar variation 4820702 (VCV004820702.4).

ClinVar aggregate classification (germline): Likely benign (1 of 4 stars; one submission).

gnomAD v4.1: 655 of 1,614,114 alleles (0.041%); highest among the groups gnomAD compares: African/African-American, 0.53%; 1 homozygote.

Submission:

CeGaT Center for Human Genetics Tuebingen
Classification: Likely benign. Last evaluated: 2026-05-01. Review status: criteria provided, single submitter. Criteria: CeGaT Center For Human Genetics Tuebingen Variant Classification Criteria Version 2. Collection method: clinical testing. Allele origin: germline. Affected: yes. Observed: 2 variant alleles.
Comment: AGO2: BP4, BP7